The following is an entry in ClinVar:

NC_012920.1(MT-CO2):m.7664G>T

Gene: MT-CO2 (mitochondrially encoded cytochrome c oxidase II; plus strand).
Variant type: single nucleotide variant.
Genome position: chrM-7664-G-T.
Identifiers: ClinVar variation 692755 (VCV000692755.1), dbSNP rs879139393, ClinGen allele CA414793211.
Genomic context (GRCh38, chrMT:7,664, plus strand): 5'-GTAGGTCTACAAGACGCTACTTCCCCTATCATAGAAGAGCTTATCACCTTTCATGATCAC[G>T]CCCTCATAATCATTTTCCTTATCTGCTTCCTAGTCCTGTATGCCCTTTTCCTAACACTCA-3'

ClinVar aggregate classification (germline): Uncertain significance (1 of 4 stars; one submission).

Conditions:
Leigh syndrome (NULS). Also called: Leigh's necrotizing encephalopathy; Leigh's disease; Leigh Syndrome (mtDNA deletion); Leigh Disease; Subacute necrotizing encephalopathy; Necrotizing encephalopathy infantile subacute of Leigh. Identifiers: Orphanet 506, MedGen C2931891, MONDO:0009723, OMIM 256000.

Submission:

Wong Mito Lab, Molecular and Human Genetics, Baylor College of Medicine
Classification: Uncertain significance for Leigh syndrome. Last evaluated: 2019-10-17. Review status: criteria provided, single submitter. Criteria: Modified ACMG Guidelines (Unpublished). Collection method: clinical testing. Allele origin: germline.
Comment: The NC_012920.1:m.7664G>T (YP_003024029.1:p.Ala27Ser) variant in MTCO2 gene is interpretated to be a Uncertain Significance variant based on the modified ACMG guidelines (unpublished). This variant meets the following evidence codes: PP7, BP4